The following is an entry in ClinVar:

NM_016213.5(TRIP4):c.1460_1463dup (p.Arg489fs)

Gene: TRIP4 (thyroid hormone receptor interactor 4; plus strand). Cytogenetic location: 15q22.31.
Variant type: Duplication.
Coding change: c.1460_1463dup on transcript NM_016213.5 (MANE Select); coding-DNA positions 1460 to 1463, 4 bases duplicated (CATA; older notation c.1460_1463dupCATA).
Protein change: p.Arg489fs; shifts the reading frame from arginine 489.
Molecular consequence: frameshift variant. On other transcripts: non-coding transcript variant (1).
Genome position (GRCh38, 1-based): chr15:64,424,132-64,424,135, CATA duplicated; duplicating any 4 consecutive bases within chr15:64,424,130-64,424,135 gives the same sequence; the c. name uses the placement nearest the transcript's 3' end. VCF-style (leftmost placement, unchanged base first): chr15-64424129-C-CTACA. GRCh37 (hg19) VCF-style: chr15-64716328-C-CTACA.
Other names: c.770_773dup, p.Arg259fs (NM_001321924.2); short protein forms R489fs, R259fs.
Identifiers: ClinVar variation 4690706 (VCV004690706.1).

ClinVar aggregate classification (germline): Pathogenic (1 of 4 stars; one submission).

Submission:

Labcorp Genetics (formerly Invitae), Labcorp
Classification: Pathogenic. Last evaluated: 2025-06-11. Review status: criteria provided, single submitter. Criteria: Invitae Variant Classification Sherloc (09022015). Collection method: clinical testing. Allele origin: germline.
Comment: This sequence change creates a premature translational stop signal (p.Arg489Ilefs*13) in the TRIP4 gene. It is expected to result in an absent or disrupted protein product. Loss-of-function variants in TRIP4 are known to be pathogenic (PMID: 26924529, 27008887). This variant is present in population databases (rs760447338, gnomAD 0.009%). This variant has not been reported in the literature in individuals affected with TRIP4-related conditions. For these reasons, this variant has been classified as Pathogenic.

Literature cited by the submitters: PubMed 26924529; PubMed 27008887.